The following is an entry in ClinVar:

NM_020533.3(MCOLN1):c.1415_1419del (p.Asp472fs)

Gene: MCOLN1 (mucolipin TRP cation channel 1; plus strand). Cytogenetic location: 19p13.2.
Variant type: Deletion.
Coding change: c.1415_1419del on transcript NM_020533.3 (MANE Select); coding-DNA positions 1415 to 1419, 5 bases deleted (ACATG; older notation c.1415_1419delACATG).
Protein change: p.Asp472fs; shifts the reading frame from aspartic acid 472.
Molecular consequence: frameshift variant.
Genome position (GRCh38, 1-based): chr19:7,530,341-7,530,345, ACATG deleted; deleting any 5 consecutive bases within chr19:7,530,340-7,530,345 gives the same sequence; the c. name uses the placement nearest the transcript's 3' end. VCF-style (leftmost placement, unchanged base first): chr19-7530339-CGACAT-C. GRCh37 (hg19) VCF-style: chr19-7595225-CGACAT-C.
Other names: short protein forms D472fs.
Identifiers: ClinVar variation 2811644 (VCV002811644.3), dbSNP rs2512474342, ClinGen allele CA2739276427.

ClinVar aggregate classification (germline): Pathogenic (1 of 4 stars; one submission).

Conditions:
Mucolipidosis type IV (ML4). Also called: ML IV. Identifiers: Orphanet 578, MedGen C0238286, MONDO:0009653, OMIM 252650.

Submission:

Labcorp Genetics (formerly Invitae), Labcorp
Classification: Pathogenic for Mucolipidosis type IV. Last evaluated: 2022-11-02. Review status: criteria provided, single submitter. Criteria: Invitae Variant Classification Sherloc (09022015). Collection method: clinical testing. Allele origin: germline.
Comment: This variant has not been reported in the literature in individuals affected with MCOLN1-related conditions. This variant is not present in population databases (gnomAD no frequency). This sequence change results in a frameshift in the MCOLN1 gene (p.Asp472Valfs*134). While this is not anticipated to result in nonsense mediated decay, it is expected to disrupt the last 109 amino acid(s) of the MCOLN1 protein and extend the protein by 24 additional amino acid residues. Algorithms developed to predict the effect of sequence changes on RNA splicing suggest that this variant may create or strengthen a splice site. For these reasons, this variant has been classified as Pathogenic. This variant disrupts a region of the MCOLN1 protein in which other variant(s) (p.Ala539Profs*41) have been determined to be pathogenic (PMID: 18326692). This suggests that this is a clinically significant region of the protein, and that variants that disrupt it are likely to be disease-causing.

Literature cited by the submitters: PubMed 18326692.